The following is an entry in ClinVar:

ClinVar aggregate classification (germline): Uncertain significance (1 of 4 stars; one submission).

Conditions:
Inborn genetic diseases. Identifiers: MedGen C0950123, MeSH D030342.

gnomAD v4.1: 1 of 1,613,732 alleles (0.000062%); highest among the groups gnomAD compares: Non-Finnish European, 0.000085%; no homozygotes.

Submission:

Ambry Genetics
Classification: Uncertain significance for Inborn genetic diseases. Last evaluated: 2026-01-15. Review status: criteria provided, single submitter. Criteria: Ambry Variant Classification Scheme 2023. Collection method: clinical testing. Allele origin: germline.
Comment: The p.S361L variant (also known as c.1082C>T), located in coding exon 9 of the CEP57 gene, results from a C to T substitution at nucleotide position 1082. The serine at codon 361 is replaced by leucine, an amino acid with dissimilar properties. This amino acid position is conserved. In addition, this alteration is predicted to be tolerated by in silico analysis. Based on the available evidence, the clinical significance of this variant remains unclear.

NM_014679.5(CEP57):c.1082C>T (p.Ser361Leu)

Gene: CEP57 (centrosomal protein 57; plus strand). Cytogenetic location: 11q21.
Variant type: single nucleotide variant.
Coding change: c.1082C>T on transcript NM_014679.5 (MANE Select); coding-DNA position 1082, C replaced by T.
Protein change: p.Ser361Leu; replaces serine 361 with leucine.
Molecular consequence: missense variant.
Genome position (GRCh38, 1-based): chr11:95,827,982, C>T. VCF-style: chr11-95827982-C-T. GRCh37 (hg19) VCF-style: chr11-95561146-C-T.
Other names: c.1055C>T, p.Ser352Leu (NM_001243776.2); c.1004C>T, p.Ser335Leu (NM_001243777.2); c.1001C>T, p.Ser334Leu (NM_001363604.2, NM_001440869.1, NM_001440870.1); c.974C>T, p.Ser325Leu (NM_001440871.1); c.965C>T, p.Ser322Leu (NM_001440872.1); c.902C>T, p.Ser301Leu (NM_001440873.1); c.896C>T, p.Ser299Leu (NM_001440874.1); c.893C>T, p.Ser298Leu (NM_001440875.1); and 6 more; short protein forms S274L, S301L, S325L, S335L, S352L, S361L, S262L, S286L.
Identifiers: ClinVar variation 4845095 (VCV004845095.1).